The following is an entry in ClinVar:

NM_004973.4(JARID2):c.1779G>A (p.Pro593=)

Gene: JARID2 (jumonji and AT-rich interaction domain containing 2; plus strand). Cytogenetic location: 6p22.3.
Variant type: single nucleotide variant.
Coding change: c.1779G>A on transcript NM_004973.4 (MANE Select); coding-DNA position 1779, G replaced by A.
Protein change: p.Pro593=; no amino-acid change (proline 593 retained).
Molecular consequence: synonymous variant.
Genome position (GRCh38, 1-based): chr6:15,497,004, G>A. VCF-style: chr6-15497004-G-A. GRCh37 (hg19) VCF-style: chr6-15497235-G-A.
Other names: c.1263G>A, p.Pro421= (NM_001267040.1).
Identifiers: ClinVar variation 4533650 (VCV004533650.6).
Genomic context (GRCh38, chr6:15,497,004, plus strand): 5'-CATCGAGTCGGTCCGCGCTCAGGTGGAGAAGTTCGGGATGTGCAGGGTGATCCCCCCTCC[G>A]GACTGGCGGCCCGAGTGCAAGCTCAACGATGAGATGCGGTTTGTCACGCAGATTCAGCAC-3'
Protein context (NP_004964.2, residues 583-603): KFGMCRVIPP[Pro593=]DWRPECKLND

ClinVar aggregate classification (germline): Likely benign (1 of 4 stars; one submission).

gnomAD v4.1: 25 of 1,613,856 alleles (0.0015%); highest among the groups gnomAD compares: Middle Eastern, 0.016%; no homozygotes.

Submission:

CeGaT Center for Human Genetics Tuebingen
Classification: Likely benign. Last evaluated: 2025-10-01. Review status: criteria provided, single submitter. Criteria: CeGaT Center For Human Genetics Tuebingen Variant Classification Criteria Version 2. Collection method: clinical testing. Allele origin: germline. Affected: yes. Observed: 1 variant allele.
Comment: JARID2: BP4, BP7